The following is an entry in ClinVar:

ClinVar aggregate classification (germline): Uncertain significance (1 of 4 stars; one submission).

Submission:

Labcorp Genetics (formerly Invitae), Labcorp
Classification: Uncertain significance. Last evaluated: 2021-12-11. Review status: criteria provided, single submitter. Criteria: Invitae Variant Classification Sherloc (09022015). Collection method: clinical testing. Allele origin: germline.
Comment: This sequence change replaces isoleucine, which is neutral and non-polar, with methionine, which is neutral and non-polar, at codon 685 of the CEP250 protein (p.Ile685Met). This variant is not present in population databases (gnomAD no frequency). This variant has not been reported in the literature in individuals affected with CEP250-related conditions. Algorithms developed to predict the effect of missense changes on protein structure and function output the following: SIFT: "Not Available"; PolyPhen-2: "Benign"; Align-GVGD: "Not Available". The methionine amino acid residue is found in multiple mammalian species, which suggests that this missense change does not adversely affect protein function. In summary, the available evidence is currently insufficient to determine the role of this variant in disease. Therefore, it has been classified as a Variant of Uncertain Significance.

NM_007186.6(CEP250):c.2055C>G (p.Ile685Met)

Genes: CEP250 (centrosomal protein 250; plus strand), CEP250-AS1 (CEP250 antisense RNA 1; minus strand). Cytogenetic location: 20q11.22.
Variant type: single nucleotide variant.
Coding change: c.2055C>G on transcript NM_007186.6 (MANE Select); coding-DNA position 2055, C replaced by G.
Protein change: p.Ile685Met; replaces isoleucine 685 with methionine.
Molecular consequence: missense variant.
Genome position (GRCh38, 1-based): chr20:35,478,062, C>G. VCF-style: chr20-35478062-C-G. GRCh37 (hg19) VCF-style: chr20-34065887-C-G.
Other names: c.159C>G, p.Ile53Met (NM_001318219.1); short protein forms I53M, I685M.
Identifiers: ClinVar variation 2040068 (VCV002040068.1), dbSNP rs781682001, ClinGen allele CA408766754.
Genomic context (GRCh38, chr20:35,478,062, plus strand): 5'-GGCTCAGCTGCAGAAAGCTGAGGAGGCTGGGGCTGAGCTGCAGGCAGATCTCAGGGACAT[C>G]CAAGAAGAGAAGGAAGAAATTCAAAAGAAACTAAGTGAGGTGAGAAGCCAAAATGGACAC-3'
Protein context (NP_009117.2, residues 675-695): GAELQADLRD[Ile685Met]QEEKEEIQKK